The following is an entry in ClinVar:

NM_016734.3(PAX5):c.523G>A (p.Ala175Thr)

Genes: PAX5 (paired box 5; minus strand), LOC105376032 (uncharacterized LOC105376032; plus strand). Cytogenetic location: 9p13.2.
Variant type: single nucleotide variant.
Coding change: c.523G>A on transcript NM_016734.3 (MANE Select); coding-DNA position 523, G replaced by A.
Protein change: p.Ala175Thr; replaces alanine 175 with threonine.
Molecular consequence: missense variant. On other transcripts: non-coding transcript variant (4), intron variant (2).
Genome position (GRCh38, 1-based): chr9:37,002,729, C>T on the plus strand (G>A on the coding strand, the complement: PAX5 is on the minus strand). VCF-style: chr9-37002729-C-T. GRCh37 (hg19) VCF-style: chr9-37002726-C-T.
Other names: c.523G>A, p.Ala175Thr (NM_001280547.2, NM_001280548.2, NM_001280549.2 and 2 more transcripts); c.199G>A, p.Ala67Thr (NM_001280551.2, NM_001280556.2); c.325G>A, p.Ala109Thr (NM_001280555.2); c.475+3744G>A (NM_001280553.2, NM_001280554.2); short protein forms A175T, A67T, A109T.
Identifiers: ClinVar variation 3928272 (VCV003928272.1).

ClinVar aggregate classification (germline): Uncertain significance (1 of 4 stars; one submission).

Conditions:
Inborn genetic diseases. Identifiers: MedGen C0950123, MeSH D030342.

Submission:

Ambry Genetics
Classification: Uncertain significance for Inborn genetic diseases. Last evaluated: 2025-03-22. Review status: criteria provided, single submitter. Criteria: Ambry Variant Classification Scheme 2023. Collection method: clinical testing. Allele origin: germline.
Comment: The p.A175T variant (also known as c.523G>A), located in coding exon 5 of the PAX5 gene, results from a G to A substitution at nucleotide position 523. The alanine at codon 175 is replaced by threonine, an amino acid with similar properties. This amino acid position is conserved. In addition, this alteration is predicted to be deleterious by in silico analysis. Based on the available evidence, the clinical significance of this variant remains unclear.